The following is an entry in ClinVar:

NM_005896.4(IDH1):c.274T>G (p.Trp92Gly)

Gene: IDH1 (isocitrate dehydrogenase (NADP(+)) 1; minus strand). Cytogenetic location: 2q34.
Variant type: single nucleotide variant.
Coding change: c.274T>G on transcript NM_005896.4 (MANE Select); coding-DNA position 274, T replaced by G.
Protein change: p.Trp92Gly; replaces tryptophan 92 with glycine.
Molecular consequence: missense variant.
Genome position (GRCh38, 1-based): chr2:208,248,509, A>C on the plus strand (T>G on the coding strand, the complement: IDH1 is on the minus strand). VCF-style: chr2-208248509-A-C. GRCh37 (hg19) VCF-style: chr2-209113233-A-C.
Other names: c.274T>G, p.Trp92Gly (NM_001282386.1, NM_001282387.1); short protein forms W92G.
Identifiers: ClinVar variation 1795556 (VCV001795556.2), dbSNP rs1048933669, ClinGen allele CA350101791.

ClinVar aggregate classification (germline): Uncertain significance (1 of 4 stars; one submission).

gnomAD v4.1: 11 of 1,613,990 alleles (0.00068%); highest among the groups gnomAD compares: Non-Finnish European, 0.00093%; no homozygotes.

Submission:

Ambry Genetics
Classification: Uncertain significance. Last evaluated: 2024-02-09. Review status: criteria provided, single submitter. Criteria: Ambry Variant Classification Scheme 2023. Collection method: clinical testing. Allele origin: germline.
Comment: The p.W92G variant (also known as c.274T>G), located in coding exon 2 of the IDH1 gene, results from a T to G substitution at nucleotide position 274. The tryptophan at codon 92 is replaced by glycine, an amino acid with highly dissimilar properties. This amino acid position is conserved. In addition, this alteration is predicted to be deleterious by in silico analysis. Since supporting evidence is limited at this time, the clinical significance of this alteration remains unclear.